The following is an entry in ClinVar:

NM_199420.4(POLQ):c.4830T>G (p.Asp1610Glu)

Gene: POLQ (DNA polymerase theta; minus strand). Cytogenetic location: 3q13.33.
Variant type: single nucleotide variant.
Coding change: c.4830T>G on transcript NM_199420.4 (MANE Select); coding-DNA position 4830, T replaced by G.
Protein change: p.Asp1610Glu; replaces aspartic acid 1610 with glutamic acid.
Molecular consequence: missense variant.
Genome position (GRCh38, 1-based): chr3:121,488,101, A>C on the plus strand (T>G on the coding strand, the complement: POLQ is on the minus strand). VCF-style: chr3-121488101-A-C. GRCh37 (hg19) VCF-style: chr3-121206948-A-C.
Other names: short protein forms D1610E.
Identifiers: ClinVar variation 3422435 (VCV003422435.1).

ClinVar aggregate classification (germline): Uncertain significance (1 of 4 stars; one submission).

Submission:

Ambry Genetics
Classification: Uncertain significance. Last evaluated: 2024-07-05. Review status: criteria provided, single submitter. Criteria: Ambry Variant Classification Scheme 2023. Collection method: clinical testing. Allele origin: germline.
Comment: The p.D1610E variant (also known as c.4830T>G), located in coding exon 16 of the POLQ gene, results from a T to G substitution at nucleotide position 4830. The aspartic acid at codon 1610 is replaced by glutamic acid, an amino acid with highly similar properties. This amino acid position is conserved. In addition, this alteration is predicted to be tolerated by in silico analysis. Based on the available evidence, the clinical significance of this variant remains unclear.